The following is an entry in ClinVar:

ClinVar aggregate classification (germline): Uncertain significance (1 of 4 stars; one submission).

Allele frequency attached by ClinVar (database versions not stated): gnomAD exomes below 0.00001.
gnomAD v4.1: 3 of 1,611,384 alleles (0.00019%); highest among the groups gnomAD compares: Non-Finnish European, 0.00025%; no homozygotes.

Submission:

Labcorp Genetics (formerly Invitae), Labcorp
Classification: Uncertain significance. Last evaluated: 2021-06-02. Review status: criteria provided, single submitter. Criteria: Invitae Variant Classification Sherloc (09022015). Collection method: clinical testing. Allele origin: germline.
Comment: In summary, the available evidence is currently insufficient to determine the role of this variant in disease. Therefore, it has been classified as a Variant of Uncertain Significance. This sequence change replaces proline with leucine at codon 633 of the POP1 protein (p.Pro633Leu). The proline residue is moderately conserved and there is a moderate physicochemical difference between proline and leucine. This variant is not present in population databases (ExAC no frequency). This variant has not been reported in the literature in individuals with POP1-related conditions. Algorithms developed to predict the effect of missense changes on protein structure and function are either unavailable or do not agree on the potential impact of this missense change (SIFT: "Tolerated"; PolyPhen-2: "Probably Damaging"; Align-GVGD: "Class C0").

NM_001145860.2(POP1):c.1898C>T (p.Pro633Leu)

Gene: POP1 (POP1 ribonuclease P/MRP subunit; plus strand). Cytogenetic location: 8q22.2.
Variant type: single nucleotide variant.
Coding change: c.1898C>T on transcript NM_001145860.2 (MANE Select); coding-DNA position 1898, C replaced by T.
Protein change: p.Pro633Leu; replaces proline 633 with leucine.
Molecular consequence: missense variant.
Genome position (GRCh38, 1-based): chr8:98,149,002, C>T. VCF-style: chr8-98149002-C-T. GRCh37 (hg19) VCF-style: chr8-99161230-C-T.
Other names: c.1898C>T, p.Pro633Leu (NM_001145861.2, NM_015029.3); short protein forms P633L.
Identifiers: ClinVar variation 1358011 (VCV001358011.8), dbSNP rs2130624041, ClinGen allele CA371771199.